The following is an entry in ClinVar:

ClinVar aggregate classification (germline): Uncertain significance. Review status: criteria provided, multiple submitters, no conflicts (2 of 4 stars). 2 submissions from 2 submitters: Uncertain significance (2). Last evaluated 2025-07-24.

Conditions:
Inborn genetic diseases. Identifiers: MedGen C0950123, MeSH D030342.
PCNT-related disorder. Also called: PCNT-related condition.

gnomAD v4.1: 43 of 1,556,722 alleles (0.0028%); highest among the groups gnomAD compares: South Asian, 0.026%; no homozygotes.

Submissions (2):

PreventionGenetics, part of Exact Sciences
Classification: Uncertain significance for PCNT-related condition. Last evaluated: 2025-07-24. Review status: criteria provided, single submitter. Criteria: ACMG Guidelines, 2015. Collection method: clinical testing. Allele origin: germline.
Comment: The PCNT c.4177G>C variant is predicted to result in the amino acid substitution p.Gly1393Arg. To our knowledge, this variant has not been reported in the literature. This variant is reported in 0.013% of alleles in individuals of South Asian descent in gnomAD. At this time, the clinical significance of this variant is uncertain due to the absence of conclusive functional and genetic evidence.

Ambry Genetics
Classification: Uncertain significance for Inborn genetic diseases. Last evaluated: 2024-07-16. Review status: criteria provided, single submitter. Criteria: Ambry Variant Classification Scheme 2023. Collection method: clinical testing. Allele origin: germline.

NM_006031.6(PCNT):c.4177G>C (p.Gly1393Arg)

Gene: PCNT (pericentrin; plus strand). Cytogenetic location: 21q22.3.
Variant type: single nucleotide variant.
Coding change: c.4177G>C on transcript NM_006031.6 (MANE Select); coding-DNA position 4177, G replaced by C.
Protein change: p.Gly1393Arg; replaces glycine 1393 with arginine.
Molecular consequence: missense variant.
Genome position (GRCh38, 1-based): chr21:46,391,337, G>C. VCF-style: chr21-46391337-G-C. GRCh37 (hg19) VCF-style: chr21-47811252-G-C.
Other names: c.3823G>C, p.Gly1275Arg (NM_001315529.2); short protein forms G1393R, G1275R.
Identifiers: ClinVar variation 3415862 (VCV003415862.2).